The following is an entry in ClinVar:

NM_000530.8(MPZ):c.361G>A (p.Asp121Asn)

Gene: MPZ (myelin protein zero; minus strand). Cytogenetic location: 1q23.3.
Variant type: single nucleotide variant.
Coding change: c.361G>A on transcript NM_000530.8 (MANE Select); coding-DNA position 361, G replaced by A.
Protein change: p.Asp121Asn; replaces aspartic acid 121 with asparagine.
Molecular consequence: missense variant.
Genome position (GRCh38, 1-based): chr1:161,306,795, C>T on the plus strand (G>A on the coding strand, the complement: MPZ is on the minus strand). VCF-style: chr1-161306795-C-T. GRCh37 (hg19) VCF-style: chr1-161276585-C-T.
Other names: c.361G>A, p.Asp121Asn (NM_001315491.2); short protein forms D121N.
Identifiers: ClinVar variation 872512 (VCV000872512.47), dbSNP rs1670263519, ClinGen allele CA343349091.
Genomic context (GRCh38, chr1:161,306,795, plus strand): 5'-GAGAGGTCTTGCCCACTATGTCTGGAGGGTTTTTGACGTCACAAGTGAACGTGCCATTGT[C>T]ACTGTAGTCTAGGTTGTGTATGACAATGGAGCCATCCTTCCAGCGAGGGTCCCCTACCCA-3'
Protein context (NP_000521.2, residues 111-131): SIVIHNLDYS[Asp121Asn]NGTFTCDVKN

ClinVar aggregate classification (germline): Pathogenic. Review status: criteria provided, multiple submitters, no conflicts (2 of 4 stars). 2 submissions from 2 submitters: Pathogenic (2). Last evaluated 2021-01-11.

Conditions:
Charcot-Marie-Tooth disease, type I (CMT1). Also called: Charcot-Marie-Tooth, Type 1; Charcot-Marie-Tooth disease type 1. Identifiers: Orphanet 65753, MedGen C0751036, MONDO:0019011.

Submissions (2):

Labcorp Genetics (formerly Invitae), Labcorp
Classification: Pathogenic for Charcot-Marie-Tooth disease, type I. Last evaluated: 2021-01-11. Review status: criteria provided, single submitter. Criteria: Invitae Variant Classification Sherloc (09022015). Collection method: clinical testing. Allele origin: germline.
Comment: For these reasons, this variant has been classified as Pathogenic. Algorithms developed to predict the effect of missense changes on protein structure and function are either unavailable or do not agree on the potential impact of this missense change (SIFT: "Deleterious"; PolyPhen-2: "Possibly Damaging"; Align-GVGD: "Class C15"). This variant has been observed in individual(s) with Charcot-Marie-Tooth disease (PMID: 27774063). It has also been observed to segregate with disease in related individuals. ClinVar contains an entry for this variant (Variation ID: 872512). This variant is not present in population databases (ExAC no frequency). This sequence change replaces aspartic acid with asparagine at codon 121 of the MPZ protein (p.Asp121Asn). The aspartic acid residue is highly conserved and there is a small physicochemical difference between aspartic acid and asparagine.

CeGaT Center for Human Genetics Tuebingen
Classification: Pathogenic. Last evaluated: 2019-10-01. Review status: criteria provided, single submitter. Criteria: CeGaT Center For Human Genetics Tuebingen Variant Classification Criteria Version 2. Collection method: clinical testing. Allele origin: germline. Affected: yes. Observed: 1 variant allele.

Literature cited by the submitters: PubMed 27774063 (cited by Labcorp Genetics (formerly Invitae), Labcorp).